The following is an entry in ClinVar:

ClinVar aggregate classification (germline): Uncertain significance. Review status: criteria provided, multiple submitters, no conflicts (2 of 4 stars). 3 submissions from 3 submitters: Uncertain significance (3). Last evaluated 2024-02-20.

Conditions:
GLI2-related disorder. Also called: GLI2-related disorders; GLI2-related condition.
Holoprosencephaly 9 (HPE9). Also called: PITUITARY ANOMALIES WITH HOLOPROSENCEPHALY-LIKE FEATURES; HOLOPROSENCEPHALY WITH MICROPHTHALMIA AND FIRST BRANCHIAL ARCH ANOMALIES. Identifiers: Orphanet 2162, MedGen C1835819, MONDO:0012563, OMIM 610829.
Postaxial polydactyly-anterior pituitary anomalies-facial dysmorphism syndrome. Also called: Culler-Jones syndrome. Identifiers: Orphanet 420584, MedGen C4014479, MONDO:0014369, OMIM 615849.

Allele frequency attached by ClinVar (database versions not stated): gnomAD exomes below 0.00001; ESP Exome Variant Server 0.00008.
gnomAD v4.1: 1 of 1,613,534 alleles (0.000062%); highest among the groups gnomAD compares: South Asian, 0.0011%; no homozygotes.

Submissions (3):

Fulgent Genetics
Classification: Uncertain significance for Holoprosencephaly 9; Postaxial polydactyly-anterior pituitary anomalies-facial dysmorphism syndrome. Last evaluated: 2024-02-20. Review status: criteria provided, single submitter. Criteria: ACMG Guidelines, 2015. Collection method: clinical testing. Allele origin: germline.

PreventionGenetics, part of Exact Sciences
Classification: Uncertain significance for GLI2-related condition. Last evaluated: 2023-09-05. Review status: criteria provided, single submitter. Criteria: ACMG Guidelines, 2015. Collection method: clinical testing. Allele origin: germline.
Comment: The GLI2 c.2293G>A variant is predicted to result in the amino acid substitution p.Gly765Ser. This variant occurs at the last nucleotide of the exon and is predicted to significantly weaken the canonical donor splice site (Alamut Visual Plus v1.6.1). To our knowledge, this variant has not been reported in the literature or in a large population database, indicating this variant is rare. Although we suspect this variant could be pathogenic, at this time, the clinical significance of this variant is uncertain due to the absence of conclusive functional and genetic evidence.

Labcorp Genetics (formerly Invitae), Labcorp
Classification: Uncertain significance for Postaxial polydactyly-anterior pituitary anomalies-facial dysmorphism syndrome; Holoprosencephaly 9. Last evaluated: 2022-01-05. Review status: criteria provided, single submitter. Criteria: Invitae Variant Classification Sherloc (09022015). Collection method: clinical testing. Allele origin: germline.
Comment: Algorithms developed to predict the effect of missense changes on protein structure and function are either unavailable or do not agree on the potential impact of this missense change (SIFT: "Tolerated"; PolyPhen-2: "Probably Damaging"; Align-GVGD: "Class C0"). Variants that disrupt the consensus splice site are a relatively common cause of aberrant splicing (PMID: 17576681, 9536098). Algorithms developed to predict the effect of sequence changes on RNA splicing suggest that this variant may disrupt the consensus splice site. In summary, the available evidence is currently insufficient to determine the role of this variant in disease. Therefore, it has been classified as a Variant of Uncertain Significance. This variant has not been reported in the literature in individuals affected with GLI2-related conditions. This sequence change replaces glycine, which is neutral and non-polar, with serine, which is neutral and polar, at codon 765 of the GLI2 protein (p.Gly765Ser). This variant also falls at the last nucleotide of exon 12, which is part of the consensus splice site for this exon. This variant is not present in population databases (gnomAD no frequency).

Literature cited by the submitters: PubMed 17576681 (cited by Labcorp Genetics (formerly Invitae), Labcorp); PubMed 9536098 (cited by Labcorp Genetics (formerly Invitae), Labcorp).

NM_001374353.1(GLI2):c.2242G>A (p.Gly748Ser)

Gene: GLI2 (GLI family zinc finger 2; plus strand). Cytogenetic location: 2q14.2.
Variant type: single nucleotide variant.
Coding change: c.2242G>A on transcript NM_001374353.1 (MANE Select); coding-DNA position 2242, G replaced by A.
Protein change: p.Gly748Ser; replaces glycine 748 with serine.
Molecular consequence: missense variant.
Genome position (GRCh38, 1-based): chr2:120,986,614, G>A. VCF-style: chr2-120986614-G-A. GRCh37 (hg19) VCF-style: chr2-121744190-G-A.
Other names: c.2293G>A (NM_005270.4); c.2293G>A, p.Gly765Ser (NM_001371271.1, NM_005270.5); c.1867G>A, p.Gly623Ser (NM_001374354.1); short protein forms G623S, G748S, G765S.
Identifiers: ClinVar variation 1978804 (VCV001978804.6), dbSNP rs374074240, ClinGen allele CA54380091.